The following is an entry in ClinVar:

ClinVar aggregate classification (germline): Pathogenic/Likely pathogenic. Review status: criteria provided, multiple submitters, no conflicts (2 of 4 stars). 3 submissions from 3 submitters: Pathogenic (1); Likely pathogenic (2). Last evaluated 2024-12-20.

Conditions:
Pontocerebellar hypoplasia type 6 (PCH6). Identifiers: Orphanet 166073, MedGen C1969084, MONDO:0012683, OMIM 611523.

Submissions (3):

Natera, Inc.
Classification: Likely pathogenic for Pontocerebellar hypoplasia, type 6. Last evaluated: 2024-12-20. Review status: criteria provided, single submitter. Criteria: Natera Variant Classification Schema (03/2026). Collection method: clinical testing. Allele origin: germline.
Comment: The c.699_700insACATC variant in RARS2 is a frameshift variant predicted to shift the reading frame beginning at codon 234 and leads to a stop codon 16 codons downstream. This variant is expected to result in nonsense mediated decay, truncation, or a dysfunctional protein product. This variant is rare in the general population with a frequency below the threshold expected for the associated phenotype(s). Given the available evidence, this variant is classified as Likely Pathogenic.

Labcorp Genetics (formerly Invitae), Labcorp
Classification: Pathogenic. Last evaluated: 2023-11-28. Review status: criteria provided, single submitter. Criteria: Invitae Variant Classification Sherloc (09022015). Collection method: clinical testing. Allele origin: germline.
Comment: This sequence change creates a premature translational stop signal (p.Asp234Thrfs*16) in the RARS2 gene. It is expected to result in an absent or disrupted protein product. Loss-of-function variants in RARS2 are known to be pathogenic (PMID: 17847012, 22569581, 26083569). This variant is present in population databases (rs745829550, gnomAD 0.007%). This variant has not been reported in the literature in individuals affected with RARS2-related conditions. ClinVar contains an entry for this variant (Variation ID: 1406532). For these reasons, this variant has been classified as Pathogenic.

Baylor Genetics
Classification: Likely pathogenic for Pontocerebellar hypoplasia type 6. Last evaluated: 2023-04-06. Review status: criteria provided, single submitter. Criteria: ACMG Guidelines, 2015. Collection method: clinical testing. Allele origin: unknown.

Literature cited by the submitters: PubMed 17847012 (cited by Labcorp Genetics (formerly Invitae), Labcorp); PubMed 22569581 (cited by Labcorp Genetics (formerly Invitae), Labcorp); PubMed 26083569 (cited by Labcorp Genetics (formerly Invitae), Labcorp).

NM_020320.5(RARS2):c.699_700insACATC (p.Asp234fs)

Gene: RARS2 (arginyl-tRNA synthetase 2, mitochondrial; minus strand). Cytogenetic location: 6q15.
Variant type: Insertion.
Coding change: c.699_700insACATC on transcript NM_020320.5 (MANE Select); coding-DNA positions 699 to 700, ACATC inserted.
Protein change: p.Asp234fs; shifts the reading frame from aspartic acid 234.
Molecular consequence: frameshift variant. On other transcripts: non-coding transcript variant (23).
Genome position: GRCh38 VCF-style: chr6-87530855-C-CGATGT. GRCh37 (hg19) VCF-style: chr6-88240573-C-CGATGT.
Other names: c.174_175insACATC, p.Asp59fs (NM_001318785.2, NM_001350506.2, NM_001350507.2 and 4 more transcripts); c.699_700insACATC, p.Asp234fs (NM_001350505.2); c.699_700insACATC (NM_020320.4); short protein forms D234fs, D59fs.
Identifiers: ClinVar variation 1406532 (VCV001406532.8), dbSNP rs745829550, ClinGen allele CA3916547.